The following is an entry in ClinVar:

NM_022049.3(GPR88):c.682G>A (p.Val228Met)

Gene: GPR88 (G protein-coupled receptor 88; plus strand). Cytogenetic location: 1p21.2.
Variant type: single nucleotide variant.
Coding change: c.682G>A on transcript NM_022049.3 (MANE Select); coding-DNA position 682, G replaced by A.
Protein change: p.Val228Met; replaces valine 228 with methionine.
Molecular consequence: missense variant.
Genome position (GRCh38, 1-based): chr1:100,539,648, G>A. VCF-style: chr1-100539648-G-A. GRCh37 (hg19) VCF-style: chr1-101005204-G-A.
Other names: short protein forms V228M.
Identifiers: ClinVar variation 2002512 (VCV002002512.4), dbSNP rs1453341107, ClinGen allele CA341392262.

ClinVar aggregate classification (germline): Uncertain significance (1 of 4 stars; one submission).

Submission:

Labcorp Genetics (formerly Invitae), Labcorp
Classification: Uncertain significance. Last evaluated: 2022-06-06. Review status: criteria provided, single submitter. Criteria: Invitae Variant Classification Sherloc (09022015). Collection method: clinical testing. Allele origin: germline.
Comment: In summary, the available evidence is currently insufficient to determine the role of this variant in disease. Therefore, it has been classified as a Variant of Uncertain Significance. Algorithms developed to predict the effect of missense changes on protein structure and function are either unavailable or do not agree on the potential impact of this missense change (SIFT: "Deleterious"; PolyPhen-2: "Probably Damaging"; Align-GVGD: "Class C0"). This variant has not been reported in the literature in individuals affected with GPR88-related conditions. This variant is not present in population databases (gnomAD no frequency). This sequence change replaces valine, which is neutral and non-polar, with methionine, which is neutral and non-polar, at codon 228 of the GPR88 protein (p.Val228Met).